The following is an entry in ClinVar:

ClinVar aggregate classification (germline): Likely benign (0 of 4 stars; one submission).

Conditions:
TBX3-related disorder. Also called: TBX3-related condition.

gnomAD v4.1: 9 of 1,613,618 alleles (0.00056%); highest among the groups gnomAD compares: Non-Finnish European, 0.00076%; no homozygotes.

Submissions (3):

PreventionGenetics, part of Exact Sciences
Classification: Likely benign for TBX3-related condition. Last evaluated: 2024-05-03. Review status: no assertion criteria provided. Collection method: clinical testing. Allele origin: germline.
Comment: This variant is classified as likely benign based on ACMG/AMP sequence variant interpretation guidelines (Richards et al. 2015 PMID: 25741868, with internal and published modifications).

Dr. Peter K. Rogan Lab, Western University
No classification provided (evidence only). Condition: Familial cancer of breast. Review status: no classification provided. Collection method: in vitro. Allele origin: not applicable. Functional consequence: retained intron. Not counted in ClinVar's aggregate classification.

Dr. Peter K. Rogan Lab, Western University
No classification provided (evidence only). Condition: Uterine corpus endometrial carcinoma. Review status: no classification provided. Collection method: in vitro. Allele origin: not applicable. Functional consequence: retained intron. Not counted in ClinVar's aggregate classification.

NM_005996.4(TBX3):c.390-10C>T

Gene: TBX3 (T-box transcription factor 3; minus strand). Cytogenetic location: 12q24.21.
Variant type: single nucleotide variant.
Coding change: c.390-10C>T on transcript NM_005996.4 (MANE Select); 10 bases into the intron before coding-DNA position 390, C replaced by T.
Molecular consequence: intron variant.
Genome position (GRCh38, 1-based): chr12:114,681,156, G>A on the plus strand (C>T on the coding strand, the complement: TBX3 is on the minus strand). VCF-style: chr12-114681156-G-A. GRCh37 (hg19) VCF-style: chr12-115118961-G-A.
Other names: NC_000012.11:g.115118961G>A; c.390-10C>T (NM_016569.4).
Identifiers: ClinVar variation 3344637 (VCV003344637.2).
Genomic context (GRCh38, chr12:114,681,156, plus strand): 5'-GCTTTTTTATCCAGCCCAGAACATCTCACTTTAAATGGAGGAAACATTCGCCTATAAAAC[G>A]AAAGAATAGAAAAGAAAAAGAAAGATAAACCACCCGTAATCTTGGGTTTGATTTCCTATG-3'